The following is an entry in ClinVar:

NM_000264.5(PTCH1):c.3346G>T (p.Val1116Leu)

Gene: PTCH1 (patched 1; minus strand). Cytogenetic location: 9q22.32.
Variant type: single nucleotide variant.
Coding change: c.3346G>T on transcript NM_000264.5 (MANE Select); coding-DNA position 3346, G replaced by T.
Protein change: p.Val1116Leu; replaces valine 1116 with leucine.
Molecular consequence: missense variant. On other transcripts: non-coding transcript variant (1).
Genome position (GRCh38, 1-based): chr9:95,453,581, C>A on the plus strand (G>T on the coding strand, the complement: PTCH1 is on the minus strand). VCF-style: chr9-95453581-C-A. GRCh37 (hg19) VCF-style: chr9-98215863-C-A.
Other names: c.3148G>T, p.Val1050Leu (NM_001083602.3); c.3343G>T, p.Val1115Leu (NM_001083603.3); c.2893G>T, p.Val965Leu (NM_001083604.3, NM_001083605.3, NM_001083606.3 and 1 more transcripts); c.3190G>T, p.Val1064Leu (NM_001354918.2); short protein forms V1050L, V1064L, V1115L, V1116L, V965L.
Identifiers: ClinVar variation 1719708 (VCV001719708.7), dbSNP rs201605273, ClinGen allele CA374111856.

ClinVar aggregate classification (germline): Uncertain significance. Review status: criteria provided, multiple submitters, no conflicts (2 of 4 stars). 2 submissions from 2 submitters: Uncertain significance (2). Last evaluated 2026-01-21.

Conditions:
Gorlin syndrome. Also called: Nevoid Basal Cell Carcinoma Syndrome; Basal cell nevus syndrome. Identifiers: Orphanet 377, MedGen C0004779, MONDO:0007187.
Hereditary cancer-predisposing syndrome. Also called: Hereditary neoplastic syndrome; Tumor predisposition; Neoplastic Syndromes, Hereditary; Hereditary Cancer Syndrome. Identifiers: Orphanet 140162, MedGen C0027672, MeSH D009386, MONDO:0015356.

Submissions (2):

Labcorp Genetics (formerly Invitae), Labcorp
Classification: Uncertain significance for Gorlin syndrome. Last evaluated: 2026-01-21. Review status: criteria provided, single submitter. Criteria: Invitae Variant Classification Sherloc (09022015). Collection method: clinical testing. Allele origin: germline.
Comment: This sequence change replaces valine, which is neutral and non-polar, with leucine, which is neutral and non-polar, at codon 1116 of the PTCH1 protein (p.Val1116Leu). This variant is not present in population databases (gnomAD no frequency). This variant has not been reported in the literature in individuals affected with PTCH1-related conditions. ClinVar contains an entry for this variant (Variation ID: 1719708). Invitae Evidence Modeling of protein sequence and biophysical properties (such as structural, functional, and spatial information, amino acid conservation, physicochemical variation, residue mobility, and thermodynamic stability) indicates that this missense variant is not expected to disrupt PTCH1 protein function with a negative predictive value of 95%. In summary, the available evidence is currently insufficient to determine the role of this variant in disease. Therefore, it has been classified as a Variant of Uncertain Significance.

Ambry Genetics
Classification: Uncertain significance for Hereditary cancer-predisposing syndrome. Last evaluated: 2024-07-19. Review status: criteria provided, single submitter. Criteria: Ambry Variant Classification Scheme 2023. Collection method: clinical testing. Allele origin: germline.
Comment: The p.V1116L variant (also known as c.3346G>T), located in coding exon 20 of the PTCH1 gene, results from a G to T substitution at nucleotide position 3346. The valine at codon 1116 is replaced by leucine, an amino acid with highly similar properties. This amino acid position is not well conserved in available vertebrate species. In addition, the in silico prediction for this alteration is inconclusive. Based on the available evidence, the clinical significance of this variant remains unclear.